The following is an entry in ClinVar:

NM_003579.4(RAD54L):c.116G>A (p.Ser39Asn)

Gene: RAD54L (RAD54 like; plus strand). Cytogenetic location: 1p34.1.
Variant type: single nucleotide variant.
Coding change: c.116G>A on transcript NM_003579.4 (MANE Select); coding-DNA position 116, G replaced by A.
Protein change: p.Ser39Asn; replaces serine 39 with asparagine.
Molecular consequence: missense variant. On other transcripts: 5 prime UTR variant (1).
Genome position (GRCh38, 1-based): chr1:46,250,025, G>A. VCF-style: chr1-46250025-G-A. GRCh37 (hg19) VCF-style: chr1-46715697-G-A.
Other names: c.116G>A, p.Ser39Asn (NM_001142548.2); c.-425G>A (NM_001370766.1); short protein forms S39N.
Identifiers: ClinVar variation 1739200 (VCV001739200.3), dbSNP rs1481353936, ClinGen allele CA340175582.

ClinVar aggregate classification (germline): Uncertain significance (1 of 4 stars; one submission).

Allele frequency attached by ClinVar (database versions not stated): gnomAD exomes below 0.00001; TOPMed below 0.00001.
gnomAD v4.1: 2 of 1,614,130 alleles (0.00012%); highest among the groups gnomAD compares: African/African-American, 0.0013%; no homozygotes.

Submission:

Ambry Genetics
Classification: Uncertain significance. Last evaluated: 2024-09-19. Review status: criteria provided, single submitter. Criteria: Ambry Variant Classification Scheme 2023. Collection method: clinical testing. Allele origin: germline.
Comment: The p.S39N variant (also known as c.116G>A), located in coding exon 3 of the RAD54L gene, results from a G to A substitution at nucleotide position 116. The serine at codon 39 is replaced by asparagine, an amino acid with highly similar properties. This amino acid position is conserved. In addition, this alteration is predicted to be tolerated by in silico analysis. Since supporting evidence is limited at this time, the clinical significance of this alteration remains unclear.